The following is an entry in ClinVar:

NM_018896.5(CACNA1G):c.6746T>C (p.Val2249Ala)

Gene: CACNA1G (calcium voltage-gated channel subunit alpha1 G; plus strand). Cytogenetic location: 17q21.33.
Variant type: single nucleotide variant.
Coding change: c.6746T>C on transcript NM_018896.5 (MANE Select); coding-DNA position 6746, T replaced by C.
Protein change: p.Val2249Ala; replaces valine 2249 with alanine.
Molecular consequence: missense variant. On other transcripts: non-coding transcript variant (5).
Genome position (GRCh38, 1-based): chr17:50,626,363, T>C. VCF-style: chr17-50626363-T-C. GRCh37 (hg19) VCF-style: chr17-48703724-T-C.
Other names: c.6557T>C, p.Val2186Ala (NM_001256324.2); c.6488T>C, p.Val2163Ala (NM_001256325.2); c.6476T>C, p.Val2159Ala (NM_001256326.2); c.6446T>C, p.Val2149Ala (NM_001256327.2); c.6392T>C, p.Val2131Ala (NM_001256328.2); c.6365T>C, p.Val2122Ala (NM_001256329.2, NM_198387.3); c.6332T>C, p.Val2111Ala (NM_001256330.2); c.6311T>C, p.Val2104Ala (NM_001256331.2); and 18 more; short protein forms V2043A, V2066A, V2077A, V2099A, V2104A, V2111A, V2115A, V2118A.
Identifiers: ClinVar variation 3360548 (VCV003360548.1).

ClinVar aggregate classification (germline): Uncertain significance (1 of 4 stars; one submission).

gnomAD v4.1: 3 of 1,612,448 alleles (0.00019%); highest among the groups gnomAD compares: Non-Finnish European, 0.00025%; no homozygotes.

Submission:

GeneDx
Classification: Uncertain significance. Last evaluated: 2023-06-30. Review status: criteria provided, single submitter. Criteria: GeneDx Variant Classification Process June 2021. Collection method: clinical testing. Allele origin: germline. Affected: yes.
Comment: Not observed at significant frequency in large population cohorts (gnomAD); In silico analysis supports that this missense variant does not alter protein structure/function; Has not been previously published as pathogenic or benign to our knowledge